The following is an entry in ClinVar:

ClinVar aggregate classification (germline): Pathogenic. Review status: criteria provided, multiple submitters, no conflicts (2 of 4 stars). 2 submissions from 2 submitters: Pathogenic (2). Last evaluated 2025-06-26.

Conditions:
Inborn genetic diseases. Identifiers: MedGen C0950123, MeSH D030342.
Imerslund-Grasbeck syndrome. Also called: Imerslund-Gräsbeck syndrome; ENTEROCYTE COBALAMIN MALABSORPTION; ENTEROCYTE INTRINSIC FACTOR RECEPTOR, DEFECT OF; PERNICIOUS ANEMIA, JUVENILE, DUE TO SELECTIVE INTESTINAL MALABSORPTION OF VITAMIN B12, WITH PROTEINURIA; Megaloblastic anemia due to inborn errors of metabolism. Identifiers: Orphanet 35858, MedGen C4551825, MONDO:0009853.

Allele frequency attached by ClinVar (database versions not stated): gnomAD exomes 0.00001 and 0.00002; TOPMed 0.00001; ExAC 0.00004; 1000 Genomes Project 30x 0.00016; 1000 Genomes Project 0.00020.
gnomAD v4.1: 14 of 1,613,902 alleles (0.00087%); highest among the groups gnomAD compares: South Asian, 0.0055%; no homozygotes.

Submissions (2):

Ambry Genetics
Classification: Pathogenic for Inborn genetic diseases. Last evaluated: 2025-06-26. Review status: criteria provided, single submitter. Criteria: Ambry Variant Classification Scheme 2023. Collection method: clinical testing. Allele origin: germline.
Comment: The c.7330C>T (p.R2444*) alteration, located in exon 47 (coding exon 47) of the CUBN gene, consists of a C to T substitution at nucleotide position 7330. This changes the amino acid from an arginine (R) to a stop codon at amino acid position 2444. This alteration is expected to result in loss of function by premature protein truncation or nonsense-mediated mRNA decay. Based on data from gnomAD, the T allele has an overall frequency of 0.002% (5/251440) total alleles studied. The highest observed frequency was 0.01% (3/30616) of South Asian alleles. Based on the available evidence, this alteration is classified as pathogenic.

Labcorp Genetics (formerly Invitae), Labcorp
Classification: Pathogenic for Imerslund-Grasbeck syndrome. Last evaluated: 2020-01-06. Review status: criteria provided, single submitter. Criteria: Invitae Variant Classification Sherloc (09022015). Collection method: clinical testing. Allele origin: germline.
Comment: For these reasons, this variant has been classified as Pathogenic. Loss-of-function variants in CUBN are known to be pathogenic (PMID: 15024727, 22929189). This variant has not been reported in the literature in individuals with CUBN-related conditions. This variant is present in population databases (rs557208468, ExAC 0.02%). This sequence change creates a premature translational stop signal (p.Arg2444*) in the CUBN gene. It is expected to result in an absent or disrupted protein product.

Literature cited by the submitters: PubMed 15024727 (cited by Labcorp Genetics (formerly Invitae), Labcorp); PubMed 22929189 (cited by Labcorp Genetics (formerly Invitae), Labcorp).

NM_001081.4(CUBN):c.7330C>T (p.Arg2444Ter)

Gene: CUBN (cubilin; minus strand). Cytogenetic location: 10p13.
Variant type: single nucleotide variant.
Coding change: c.7330C>T on transcript NM_001081.4 (MANE Select); coding-DNA position 7330, C replaced by T.
Protein change: p.Arg2444Ter; replaces arginine 2444 with a stop codon.
Molecular consequence: nonsense.
Genome position (GRCh38, 1-based): chr10:16,915,053, G>A on the plus strand (C>T on the coding strand, the complement: CUBN is on the minus strand). VCF-style: chr10-16915053-G-A. GRCh37 (hg19) VCF-style: chr10-16957052-G-A.
Other names: short protein forms R2444*.
Identifiers: ClinVar variation 838702 (VCV000838702.9), dbSNP rs557208468, ClinGen allele CA5423415.